The following is an entry in ClinVar:

ClinVar aggregate classification (germline): Pathogenic (1 of 4 stars; one submission).

Submission:

Labcorp Genetics (formerly Invitae), Labcorp
Classification: Pathogenic. Last evaluated: 2022-05-12. Review status: criteria provided, single submitter. Criteria: Invitae Variant Classification Sherloc (09022015). Collection method: clinical testing. Allele origin: germline.
Comment: This sequence change creates a premature translational stop signal (p.Ile834Metfs*83) in the POLE gene. It is expected to result in an absent or disrupted protein product. Loss-of-function variants in POLE are known to be pathogenic (PMID: 23230001, 25948378, 30503519). This variant is not present in population databases (gnomAD no frequency). This variant has not been reported in the literature in individuals affected with POLE-related conditions. ClinVar contains an entry for this variant (Variation ID: 966765). Algorithms developed to predict the effect of sequence changes on RNA splicing suggest that this variant may create or strengthen a splice site. For these reasons, this variant has been classified as Pathogenic.

Literature cited by the submitters: PubMed 23230001; PubMed 25948378; PubMed 30503519.

NM_006231.4(POLE):c.2477_2501dup (p.Ile834fs)

Gene: POLE (DNA polymerase epsilon, catalytic subunit; minus strand). Cytogenetic location: 12q24.33.
Variant type: Duplication.
Coding change: c.2477_2501dup on transcript NM_006231.4 (MANE Select); coding-DNA positions 2477 to 2501, 25 bases duplicated (GGTACTCCATGGAGATGGCTGGCAT).
Protein change: p.Ile834fs; shifts the reading frame from isoleucine 834.
Molecular consequence: frameshift variant.
Genome position (GRCh38, 1-based): chr12:132,664,430-132,664,454, ATGCCAGCCATCTCCATGGAGTACC duplicated on the plus strand (GGTACTCCATGGAGATGGCTGGCAT on the coding strand, the reverse complement: POLE is on the minus strand); duplicating any 25 consecutive bases within chr12:132,664,430-132,664,455 gives the same sequence; the c. name uses the placement nearest the transcript's 3' end. VCF-style (leftmost placement, unchanged base first): chr12-132664429-G-GATGCCAGCCATCTCCATGGAGTACC. GRCh37 (hg19) VCF-style: chr12-133241015-G-GATGCCAGCCATCTCCATGGAGTACC.
Other names: short protein forms I834fs.
Identifiers: ClinVar variation 966765 (VCV000966765.9), dbSNP rs2042746784, ClinGen allele CA1139662979.